The following is an entry in ClinVar:

NM_001197104.2(KMT2A):c.11665C>T (p.Arg3889Ter)

Genes: KMT2A (lysine methyltransferase 2A; plus strand), TTC36-AS1 (TTC36 and KMT2A antisense RNA 1; minus strand). Cytogenetic location: 11q23.3.
Variant type: single nucleotide variant.
Coding change: c.11665C>T on transcript NM_001197104.2 (MANE Select); coding-DNA position 11665, C replaced by T.
Protein change: p.Arg3889Ter; replaces arginine 3889 with a stop codon.
Molecular consequence: nonsense.
Genome position (GRCh38, 1-based): chr11:118,521,918, C>T. VCF-style: chr11-118521918-C-T. GRCh37 (hg19) VCF-style: chr11-118392633-C-T.
Other names: c.11755C>T, p.Arg3919Ter (NM_001412597.1); c.11656C>T, p.Arg3886Ter (NM_005933.4); short protein forms R3886*, R3889*, R3919*.
Identifiers: ClinVar variation 3644314 (VCV003644314.3).
Genomic context (GRCh38, chr11:118,521,918, plus strand): 5'-AGAAATGACAAGTTCTTCTCCCTTCTTCTGCATGTGCAGGGCATTGGTTGCTATATGTTC[C>T]GAATTGATGACTCAGAGGTAGTGGATGCCACCATGCATGGAAATGCTGCACGCTTCATCA-3'

ClinVar aggregate classification (germline): Likely pathogenic. Review status: criteria provided, multiple submitters, no conflicts (2 of 4 stars). 2 submissions from 2 submitters: Likely pathogenic (2). Last evaluated 2026-06-15.

Conditions:
Wiedemann-Steiner syndrome (WDSTS). Also called: Growth deficiency and mental retardation with facial dysmorphism. Identifiers: Orphanet 319182, MedGen C1854630, MONDO:0011518, OMIM 605130.

Submissions (2):

Women's Health and Genetics/Laboratory Corporation of America, LabCorp
Classification: Likely pathogenic for Wiedemann-Steiner syndrome. Last evaluated: 2026-06-15. Review status: criteria provided, single submitter. Criteria: LabCorp Variant Classification Summary - May 2015. Collection method: clinical testing. Allele origin: germline.
Comment: Variant summary: KMT2A c.11665C>T (p.Arg3889X) results in a premature termination codon, predicted to cause a truncation of the encoded protein but is not expected to result in nonsense mediated decay. The variant was absent in 251382 control chromosomes. c.11665C>T has been observed in individuals affected with KMT2A-related conditions (Labcorp/formerly Invitae). These data indicate that the variant may be associated with disease. Other variants downstream of this amino acid have been observed in affected individuals, and at least one has been determined to be likely pathogenic. To our knowledge, no experimental evidence demonstrating an impact on protein function has been reported. ClinVar contains an entry for this variant (Variation ID: 3644314). Based on the evidence outlined above, the variant was classified as likely pathogenic.

Labcorp Genetics (formerly Invitae), Labcorp
Classification: Likely pathogenic. Last evaluated: 2025-07-28. Review status: criteria provided, single submitter. Criteria: Invitae Variant Classification Sherloc (09022015). Collection method: clinical testing. Allele origin: germline.
Comment: This sequence change creates a premature translational stop signal (p.Arg3889*) in the KMT2A gene. While this is not anticipated to result in nonsense mediated decay, it is expected to disrupt the last 84 amino acid(s) of the KMT2A protein. This variant is not present in population databases (gnomAD no frequency). This premature translational stop signal has been observed in individual(s) with clinical features of KMT2A-related conditions (internal data). It has also been observed to segregate with disease in related individuals. ClinVar contains an entry for this variant (Variation ID: 3644314). This variant disrupts a region of the KMT2A protein in which other variant(s) (p.Arg3939*) have been observed in individuals with KMT2A-related conditions (internal data). This suggests that this is a clinically significant region of the protein, and that variants that disrupt it are likely to be disease-causing. In summary, the currently available evidence indicates that the variant is pathogenic, but additional data are needed to prove that conclusively. Therefore, this variant has been classified as Likely Pathogenic.